The following is an entry in ClinVar:

NM_130810.4(DNAAF4):c.862A>G (p.Lys288Glu)

Genes: DNAAF4 (dynein axonemal assembly factor 4; minus strand), DNAAF4-CCPG1 (DNAAF4-CCPG1 readthrough (NMD candidate); minus strand). Cytogenetic location: 15q21.3.
Variant type: single nucleotide variant.
Coding change: c.862A>G on transcript NM_130810.4 (MANE Select); coding-DNA position 862, A replaced by G.
Protein change: p.Lys288Glu; replaces lysine 288 with glutamic acid.
Molecular consequence: missense variant. On other transcripts: non-coding transcript variant (1).
Genome position (GRCh38, 1-based): chr15:55,439,503, T>C on the plus strand (A>G on the coding strand, the complement: DNAAF4 is on the minus strand). VCF-style: chr15-55439503-T-C. GRCh37 (hg19) VCF-style: chr15-55731701-T-C.
Other names: c.862A>G, p.Lys288Glu (NM_001033559.3, NM_001033560.2); short protein forms K288E.
Identifiers: ClinVar variation 410959 (VCV000410959.17), dbSNP rs147149511, ClinGen allele CA7574904.

ClinVar aggregate classification (germline): Conflicting classifications of pathogenicity. Review status: criteria provided, conflicting classifications (1 of 4 stars). 3 submissions from 3 submitters: Uncertain significance (1); Likely benign (2). Last evaluated 2026-05-12.

Conditions:
DNAAF4-related disorder. Also called: DNAAF4-related condition.

Allele frequency attached by ClinVar (database versions not stated): ExAC 0.00019; 1000 Genomes Project 0.00060; 1000 Genomes Project 30x 0.00062; gnomAD 0.00070 and 0.00079; TOPMed 0.00072; ESP Exome Variant Server 0.00108.
gnomAD v4.1: 190 of 1,614,126 alleles (0.012%); highest among the groups gnomAD compares: African/African-American, 0.23%; no homozygotes.

Submissions (3):

PreventionGenetics, part of Exact Sciences
Classification: Likely benign for DNAAF4-related condition. Last evaluated: 2026-05-12. Review status: criteria provided, single submitter. Criteria: ACMG Guidelines, 2015. Collection method: clinical testing. Allele origin: germline.
Comment: This variant is classified as likely benign based on ACMG/AMP sequence variant interpretation guidelines (Richards et al. 2015 PMID: 25741868, with internal and published modifications).

Labcorp Genetics (formerly Invitae), Labcorp
Classification: Likely benign. Last evaluated: 2025-11-18. Review status: criteria provided, single submitter. Criteria: Invitae Variant Classification Sherloc (09022015). Collection method: clinical testing. Allele origin: germline.

GeneDx
Classification: Uncertain significance. Last evaluated: 2025-09-12. Review status: criteria provided, single submitter. Criteria: GeneDx Variant Classification Process June 2021. Collection method: clinical testing. Allele origin: germline. Affected: yes.
Comment: In silico analysis suggests that this missense variant does not alter protein structure/function; Has not been previously published as pathogenic or benign to our knowledge